The following is an entry in ClinVar:

NM_000089.4(COL1A2):c.1611+3G>A

Gene: COL1A2 (collagen type I alpha 2 chain; plus strand). Cytogenetic location: 7q21.3.
Variant type: single nucleotide variant.
Coding change: c.1611+3G>A on transcript NM_000089.4 (MANE Select); 3 bases into the intron after coding-DNA position 1611, G replaced by A.
Molecular consequence: intron variant.
Genome position (GRCh38, 1-based): chr7:94,413,746, G>A. VCF-style: chr7-94413746-G-A. GRCh37 (hg19) VCF-style: chr7-94043058-G-A.
Identifiers: ClinVar variation 3762537 (VCV003762537.2).

ClinVar aggregate classification (germline): Uncertain significance (1 of 4 stars; one submission).

Conditions:
Ehlers-Danlos syndrome, classic type, 1 (EDSCL1). Also called: EHLERS-DANLOS SYNDROME, GRAVIS TYPE; EHLERS-DANLOS SYNDROME, SEVERE CLASSIC TYPE; Ehlers-Danlos syndrome, type 1; Ehlers-Danlos Syndrome, Classic Type, COL5A1-Related; EDS I. Identifiers: MedGen C0268335, MONDO:0019567, OMIM 130000.
Osteogenesis imperfecta type I (OI1). Also called: OI, TYPE I; OSTEOGENESIS IMPERFECTA TARDA; OSTEOGENESIS IMPERFECTA WITH BLUE SCLERAE; Osteogenesis imperfecta type 1; Lobstein's Disease; Lobstein disease. Identifiers: Orphanet 216796, Orphanet 666, MedGen C0023931, MONDO:0008146, OMIM 166200. Disease mechanism: loss of function.

Submission:

Labcorp Genetics (formerly Invitae), Labcorp
Classification: Uncertain significance for Osteogenesis imperfecta type I; Ehlers-Danlos syndrome, classic type, 1. Last evaluated: 2025-01-23. Review status: criteria provided, single submitter. Criteria: Invitae Variant Classification Sherloc (09022015). Collection method: clinical testing. Allele origin: germline.
Comment: This sequence change falls in intron 27 of the COL1A2 gene. It does not directly change the encoded amino acid sequence of the COL1A2 protein. It affects a nucleotide within the consensus splice site. This variant is not present in population databases (gnomAD no frequency). This variant has not been reported in the literature in individuals affected with COL1A2-related conditions. Variants that disrupt the consensus splice site are a relatively common cause of aberrant splicing (PMID: 17576681, 9536098). Algorithms developed to predict the effect of sequence changes on RNA splicing suggest that this variant is not likely to affect RNA splicing. In summary, the available evidence is currently insufficient to determine the role of this variant in disease. Therefore, it has been classified as a Variant of Uncertain Significance.

Literature cited by the submitters: PubMed 17576681; PubMed 9536098.